The following is an entry in ClinVar:

NM_015338.6(ASXL1):c.3343A>G (p.Ser1115Gly)

Gene: ASXL1 (ASXL transcriptional regulator 1; plus strand). Cytogenetic location: 20q11.21.
Variant type: single nucleotide variant.
Coding change: c.3343A>G on transcript NM_015338.6 (MANE Select); coding-DNA position 3343, A replaced by G.
Protein change: p.Ser1115Gly; replaces serine 1115 with glycine.
Molecular consequence: missense variant.
Genome position (GRCh38, 1-based): chr20:32,436,055, A>G. VCF-style: chr20-32436055-A-G. GRCh37 (hg19) VCF-style: chr20-31023858-A-G.
Other names: c.3160A>G, p.Ser1054Gly (NM_001363734.1); short protein forms S1054G, S1115G.
Identifiers: ClinVar variation 4159496 (VCV004159496.1).
Genomic context (GRCh38, chr20:32,436,055, plus strand): 5'-TCCATGCCTGGGTCCTCAGTGGAGGCCACTAACCCACTTGTGATGCAGTTGCTGCAGGGT[A>G]GCTTGCCCCTAGAGAAGGTTCTTCCACCAGCCCACGATGACAGCATGTCAGAATCCCCAC-3'
Protein context (NP_056153.2, residues 1105-1125): NPLVMQLLQG[Ser1115Gly]LPLEKVLPPA

ClinVar aggregate classification (germline): Uncertain significance (1 of 4 stars; one submission).

Conditions:
Inborn genetic diseases. Identifiers: MedGen C0950123, MeSH D030342.

Submission:

Ambry Genetics
Classification: Uncertain significance for Inborn genetic diseases. Last evaluated: 2025-09-06. Review status: criteria provided, single submitter. Criteria: Ambry Variant Classification Scheme 2023. Collection method: clinical testing. Allele origin: germline.
Comment: The p.S1115G variant (also known as c.3343A>G), located in coding exon 13 of the ASXL1 gene, results from an A to G substitution at nucleotide position 3343. The serine at codon 1115 is replaced by glycine, an amino acid with similar properties. This amino acid position is conserved. In addition, this alteration is predicted to be tolerated by in silico analysis. Based on the available evidence, the clinical significance of this variant remains unclear.